The following is an entry in ClinVar:

NM_004260.4(RECQL4):c.3085G>A (p.Glu1029Lys)

Gene: RECQL4 (RecQ like helicase 4; minus strand). Cytogenetic location: 8q24.3.
Variant type: single nucleotide variant.
Coding change: c.3085G>A on transcript NM_004260.4 (MANE Select); coding-DNA position 3085, G replaced by A.
Protein change: p.Glu1029Lys; replaces glutamic acid 1029 with lysine.
Molecular consequence: missense variant.
Genome position (GRCh38, 1-based): chr8:144,512,295, C>T on the plus strand (G>A on the coding strand, the complement: RECQL4 is on the minus strand). VCF-style: chr8-144512295-C-T. GRCh37 (hg19) VCF-style: chr8-145737678-C-T.
Other names: c.3085G>A (NM_004260.3); c.2791G>A, p.Glu931Lys (NM_001413017.1); c.2887G>A, p.Glu963Lys (NM_001413018.1); c.3160G>A, p.Glu1054Lys (NM_001413019.1); c.2989G>A, p.Glu997Lys (NM_001413020.1); c.2014G>A, p.Glu672Lys (NM_001413021.1, NM_001413022.1, NM_001413024.1 and 4 more transcripts); c.2089G>A, p.Glu697Lys (NM_001413023.1); c.2956G>A, p.Glu986Lys (NM_001413025.1); and 10 more; short protein forms E1019K, E1029K, E1054K, E540K, E606K, E628K, E650K, E662K.
Identifiers: ClinVar variation 1879725 (VCV001879725.30), dbSNP rs2537981460, ClinGen allele CA372670764.

ClinVar aggregate classification (germline): Uncertain significance. Review status: criteria provided, multiple submitters, no conflicts (2 of 4 stars). 2 submissions from 2 submitters: Uncertain significance (2). Last evaluated 2025-04-17.

Conditions:
Inborn genetic diseases. Identifiers: MedGen C0950123, MeSH D030342.

Submissions (2):

Ambry Genetics
Classification: Uncertain significance for Inborn genetic diseases. Last evaluated: 2025-04-17. Review status: criteria provided, single submitter. Criteria: Ambry Variant Classification Scheme 2023. Collection method: clinical testing. Allele origin: germline.

CeGaT Center for Human Genetics Tuebingen
Classification: Uncertain significance. Last evaluated: 2022-12-01. Review status: criteria provided, single submitter. Criteria: CeGaT Center For Human Genetics Tuebingen Variant Classification Criteria Version 2. Collection method: clinical testing. Allele origin: germline. Affected: yes. Observed: 1 variant allele.
Comment: RECQL4: PM2